The following is an entry in ClinVar:

ClinVar aggregate classification (germline): Uncertain significance (1 of 4 stars; one submission).

gnomAD v4.1: 1 of 1,613,544 alleles (0.000062%); highest among the groups gnomAD compares: Non-Finnish European, 0.000085%; no homozygotes.

Submission:

Labcorp Genetics (formerly Invitae), Labcorp
Classification: Uncertain significance. Last evaluated: 2025-10-21. Review status: criteria provided, single submitter. Criteria: Invitae Variant Classification Sherloc (09022015). Collection method: clinical testing. Allele origin: germline.
Comment: This sequence change replaces glycine, which is neutral and non-polar, with aspartic acid, which is acidic and polar, at codon 245 of the TGM6 protein (p.Gly245Asp). This variant is not present in population databases (gnomAD no frequency). This variant has not been reported in the literature in individuals affected with TGM6-related conditions. Invitae Evidence Modeling of protein sequence and biophysical properties (such as structural, functional, and spatial information, amino acid conservation, physicochemical variation, residue mobility, and thermodynamic stability) indicates that this missense variant is expected to disrupt TGM6 protein function with a positive predictive value of 80%. In summary, the available evidence is currently insufficient to determine the role of this variant in disease. Therefore, it has been classified as a Variant of Uncertain Significance.

NM_198994.3(TGM6):c.734G>A (p.Gly245Asp)

Gene: TGM6 (transglutaminase 6; plus strand). Cytogenetic location: 20p13.
Variant type: single nucleotide variant.
Coding change: c.734G>A on transcript NM_198994.3 (MANE Select); coding-DNA position 734, G replaced by A.
Protein change: p.Gly245Asp; replaces glycine 245 with aspartic acid.
Molecular consequence: missense variant.
Genome position (GRCh38, 1-based): chr20:2,399,622, G>A. VCF-style: chr20-2399622-G-A. GRCh37 (hg19) VCF-style: chr20-2380268-G-A.
Other names: c.734G>A, p.Gly245Asp (NM_001254734.2); short protein forms G245D.
Identifiers: ClinVar variation 4761216 (VCV004761216.1).